The following is an entry in ClinVar:

NM_001384140.1(PCDH15):c.472G>T (p.Glu158Ter)

Gene: PCDH15 (protocadherin related 15; minus strand). Cytogenetic location: 10q21.1.
Variant type: single nucleotide variant.
Coding change: c.472G>T on transcript NM_001384140.1 (MANE Select); coding-DNA position 472, G replaced by T.
Protein change: p.Glu158Ter; replaces glutamic acid 158 with a stop codon.
Molecular consequence: nonsense.
Genome position (GRCh38, 1-based): chr10:54,369,122, C>A on the plus strand (G>T on the coding strand, the complement: PCDH15 is on the minus strand). VCF-style: chr10-54369122-C-A. GRCh37 (hg19) VCF-style: chr10-56128882-C-A.
Other names: c.487G>T, p.Glu163Ter (NM_001142763.2, NM_001142769.4, NM_001142771.2); c.472G>T, p.Glu158Ter (NM_001142764.2, NM_001142765.2, NM_001142766.2 and 8 more transcripts); c.406G>T, p.Glu136Ter (NM_001142768.2, NM_001142773.2, NM_001354404.2); short protein forms E136*, E163*, E158*.
Identifiers: ClinVar variation 2764145 (VCV002764145.3), dbSNP rs2547832232, ClinGen allele CA376542066.

ClinVar aggregate classification (germline): Pathogenic (1 of 4 stars; one submission).

Submission:

Labcorp Genetics (formerly Invitae), Labcorp
Classification: Pathogenic. Last evaluated: 2023-09-29. Review status: criteria provided, single submitter. Criteria: Invitae Variant Classification Sherloc (09022015). Collection method: clinical testing. Allele origin: germline.
Comment: This sequence change creates a premature translational stop signal (p.Glu158*) in the PCDH15 gene. It is expected to result in an absent or disrupted protein product. Loss-of-function variants in PCDH15 are known to be pathogenic (PMID: 11398101, 11487575, 14570705). This variant is not present in population databases (gnomAD no frequency). This variant has not been reported in the literature in individuals affected with PCDH15-related conditions. For these reasons, this variant has been classified as Pathogenic.

Literature cited by the submitters: PubMed 11398101; PubMed 11487575; PubMed 14570705.